The following is an entry in ClinVar:

NM_000551.4(VHL):c.340+614del

Genes: VHL (von Hippel-Lindau tumor suppressor; plus strand), LOC107303340 (3p25 von Hippel-Lindau tumor suppressor, E3 ubiquitin protein ligase Alu-mediated recombination region; plus strand). Cytogenetic location: 3p25.3.
Variant type: Deletion.
Coding change: c.340+614del on transcript NM_000551.4 (MANE Select); 614 bases into the intron after coding-DNA position 340, one base deleted (G; older notation c.340+614delG).
Molecular consequence: intron variant. On other transcripts: frameshift variant (1).
Genome position (GRCh38, 1-based): chr3:10,142,801, G deleted. VCF-style (leftmost placement, unchanged base first): chr3-10142800-TG-T. GRCh37 (hg19) VCF-style: chr3-10184484-TG-T.
Other names: c.379del, p.Ala127fs (NM_001354723.2); c.340+614del (NM_198156.3); short protein forms A127fs.
Identifiers: ClinVar variation 1509349 (VCV001509349.8), dbSNP rs2125125876, ClinGen allele CA2573136097.

ClinVar aggregate classification (germline): Uncertain significance (1 of 4 stars; one submission).

Conditions:
Von Hippel-Lindau syndrome (VHLS). Also called: VHL syndrome; von Hippel–Lindau syndrome; Von Hippel-Lindau. Identifiers: Orphanet 892, MedGen C0019562, MONDO:0008667, OMIM 193300. Disease mechanism: loss of function.
Chuvash polycythemia. Also called: POLYCYTHEMIA, VHL-DEPENDENT. Identifiers: Orphanet 238557, MedGen C1837915, MONDO:0009892, OMIM 263400.

Submission:

Labcorp Genetics (formerly Invitae), Labcorp
Classification: Uncertain significance for Von Hippel-Lindau syndrome; Chuvash polycythemia. Last evaluated: 2021-04-05. Review status: criteria provided, single submitter. Criteria: Invitae Variant Classification Sherloc (09022015). Collection method: clinical testing. Allele origin: germline.
Comment: Experimental studies and prediction algorithms are not available or were not evaluated, and the functional significance of this variant is currently unknown. In summary, the available evidence is currently insufficient to determine the role of this variant in disease. Therefore, it has been classified as a Variant of Uncertain Significance. This variant has not been reported in the literature in individuals with VHL-related conditions. The frequency data for this variant in the population databases is considered unreliable, as metrics indicate insufficient coverage at this position in the ExAC database. This sequence change falls in intron 1 of the VHL gene. It is not expected to change the encoded amino acid sequence of the VHL protein. However, this sequence change falls within a cryptic exon in the VHL gene, known as exon E1’, which is naturally expressed at low levels in several human tissues (PMID: 29891534).

Literature cited by the submitters: PubMed 29891534.